The following is an entry in ClinVar:

ClinVar aggregate classification (germline): Uncertain significance (1 of 4 stars; one submission).

Conditions:
Inborn genetic diseases. Identifiers: MedGen C0950123, MeSH D030342.

gnomAD v4.1: 11 of 1,604,922 alleles (0.00069%); highest among the groups gnomAD compares: Non-Finnish European, 0.00093%; no homozygotes.

Submission:

Ambry Genetics
Classification: Uncertain significance for Inborn genetic diseases. Last evaluated: 2025-04-06. Review status: criteria provided, single submitter. Criteria: Ambry Variant Classification Scheme 2023. Collection method: clinical testing. Allele origin: germline.
Comment: The p.F234S variant (also known as c.701T>C), located in coding exon 8 of the ASXL1 gene, results from a T to C substitution at nucleotide position 701. The phenylalanine at codon 234 is replaced by serine, an amino acid with highly dissimilar properties. This amino acid position is conserved. In addition, this alteration is predicted to be tolerated by in silico analysis. Based on the available evidence, the clinical significance of this variant remains unclear.

NM_015338.6(ASXL1):c.701T>C (p.Phe234Ser)

Gene: ASXL1 (ASXL transcriptional regulator 1; plus strand). Cytogenetic location: 20q11.21.
Variant type: single nucleotide variant.
Coding change: c.701T>C on transcript NM_015338.6 (MANE Select); coding-DNA position 701, T replaced by C.
Protein change: p.Phe234Ser; replaces phenylalanine 234 with serine.
Molecular consequence: missense variant. On other transcripts: intron variant (1).
Genome position (GRCh38, 1-based): chr20:32,430,036, T>C. VCF-style: chr20-32430036-T-C. GRCh37 (hg19) VCF-style: chr20-31017839-T-C.
Other names: c.535+605T>C (NM_001363734.1); short protein forms F234S.
Identifiers: ClinVar variation 3955853 (VCV003955853.1).